The following is an entry in ClinVar:

ClinVar aggregate classification (germline): Likely pathogenic (1 of 4 stars; one submission).

Conditions:
Syndromic X-linked intellectual disability Najm type (MICPCH). Also called: Intellectual Disability and Microcephaly with Pontine and Cerebellar Hypoplasia; Intellectual Disability and Microcephaly with Pontine and Cerebellar Hypoplasia (MICPCH); Mental retardation and microcephaly with pontine and cerebellar hypoplasia; MENTAL RETARDATION, X-LINKED, SYNDROMIC, NAJM TYPE; MICPCH SYNDROME; Intellectual developmental disorder and microcephaly with pontine and cerebellar hypoplasia. Identifiers: Orphanet 163937, MedGen C2677903, MONDO:0010417, OMIM 300749.

Submission:

Pittsburgh Clinical Genomics Laboratory, University of Pittsburgh Medical Center
Classification: Likely pathogenic for Syndromic X-linked intellectual disability Najm type. Last evaluated: 2022-03-24. Review status: criteria provided, single submitter. Criteria: ACMG Guidelines, 2015. Collection method: clinical testing. Allele origin: germline. Inheritance: X-linked dominant inheritance. Affected: yes.
Comment: This sequence variant is a single nucleotide substitution (G>C) at the +1 position downstream of exon 23 of 27 in the CASK gene. As this variant alters the canonical splice donor site of intron 23, it is expected that it will lead to aberrant splicing products. This variant is expected to generate a non-functiol allele through either the expression of a truncated protein or a loss of CASK expression due to nonsense mediated decay. This variant is absent from control population datasets (gnomAD database, 0 of approximately 180,000 alleles) and online datasets of clinically annotated variants (ClinVar). However, this variant has been observed in 2 individuals with intellectual disability and microcephaly with pontine and cerebellar hypoplasia (PMID: 29258560, 31623504). Multiple bioinformatic tools predict that this G to C base change will lead to the loss of a canonical splice site, and the C nucleotide is strongly conserved at this across the vertebrate species examined. Studies examining the functiol consequence of this variant have not been published, to our knowledge. Given the available evidence, we consider this a likely pathogenic variant. ACMG Criteria: PM2, PVS1

Literature cited by the submitters: PubMed 31623504; PubMed 29258560.

NM_001367721.1(CASK):c.2236+1G>C

Gene: CASK (calcium/calmodulin dependent serine protein kinase; minus strand). Cytogenetic location: Xp11.4.
Variant type: single nucleotide variant.
Coding change: c.2236+1G>C on transcript NM_001367721.1 (MANE Select); the canonical splice donor site of the intron after coding-DNA position 2236, G replaced by C.
Molecular consequence: splice donor variant.
Genome position (GRCh38, 1-based): chrX:41,534,892, C>G on the plus strand (G>C on the coding strand, the complement: CASK is on the minus strand). VCF-style: chrX-41534892-C-G. GRCh37 (hg19) VCF-style: chrX-41394145-C-G.
Other names: c.2149+1G>C (NM_001126055.3); c.2218+1G>C (NM_001410745.1); c.2152+1G>C (NM_001126054.3); c.2221+1G>C (NM_003688.4).
Identifiers: ClinVar variation 3376284 (VCV003376284.1).